The following is an entry in ClinVar:

NM_025144.4(ALPK1):c.527G>A (p.Gly176Glu)

Gene: ALPK1 (alpha kinase 1; plus strand). Cytogenetic location: 4q25.
Variant type: single nucleotide variant.
Coding change: c.527G>A on transcript NM_025144.4 (MANE Select); coding-DNA position 527, G replaced by A.
Protein change: p.Gly176Glu; replaces glycine 176 with glutamic acid.
Molecular consequence: missense variant.
Genome position (GRCh38, 1-based): chr4:112,423,995, G>A. VCF-style: chr4-112423995-G-A. GRCh37 (hg19) VCF-style: chr4-113345151-G-A.
Other names: c.527G>A, p.Gly176Glu (NM_001102406.2); c.293G>A, p.Gly98Glu (NM_001253884.2); short protein forms G176E, G98E.
Identifiers: ClinVar variation 4771591 (VCV004771591.1).

ClinVar aggregate classification (germline): Uncertain significance (1 of 4 stars; one submission).

Submission:

Labcorp Genetics (formerly Invitae), Labcorp
Classification: Uncertain significance. Last evaluated: 2025-02-17. Review status: criteria provided, single submitter. Criteria: Invitae Variant Classification Sherloc (09022015). Collection method: clinical testing. Allele origin: germline.
Comment: This sequence change replaces glycine, which is neutral and non-polar, with glutamic acid, which is acidic and polar, at codon 176 of the ALPK1 protein (p.Gly176Glu). This variant is present in population databases (rs770698564, gnomAD 0.007%). This variant has not been reported in the literature in individuals affected with ALPK1-related conditions. Invitae Evidence Modeling of protein sequence and biophysical properties (such as structural, functional, and spatial information, amino acid conservation, physicochemical variation, residue mobility, and thermodynamic stability) indicates that this missense variant is expected to disrupt ALPK1 protein function with a positive predictive value of 80%. In summary, the available evidence is currently insufficient to determine the role of this variant in disease. Therefore, it has been classified as a Variant of Uncertain Significance.